The following is an entry in ClinVar:

NM_020207.7(ERCC6L2):c.4066A>G (p.Thr1356Ala)

Gene: ERCC6L2 (ERCC excision repair 6 like 2; plus strand). Cytogenetic location: 9q22.32.
Variant type: single nucleotide variant.
Coding change: c.4066A>G on transcript NM_020207.7 (MANE Select); coding-DNA position 4066, A replaced by G.
Protein change: p.Thr1356Ala; replaces threonine 1356 with alanine.
Molecular consequence: missense variant. On other transcripts: non-coding transcript variant (1), intron variant (2).
Genome position (GRCh38, 1-based): chr9:96,012,616, A>G. VCF-style: chr9-96012616-A-G. GRCh37 (hg19) VCF-style: chr9-98774898-A-G.
Other names: c.3674+7915A>G (NM_001375291.1, NM_001375292.1); short protein forms T1356A.
Identifiers: ClinVar variation 3681050 (VCV003681050.2).

ClinVar aggregate classification (germline): Uncertain significance (1 of 4 stars; one submission).

gnomAD v4.1: 1 of 1,367,540 alleles (0.000073%); highest among the groups gnomAD compares: African/African-American, 0.0015%; no homozygotes.

Submission:

Labcorp Genetics (formerly Invitae), Labcorp
Classification: Uncertain significance. Last evaluated: 2024-12-23. Review status: criteria provided, single submitter. Criteria: Invitae Variant Classification Sherloc (09022015). Collection method: clinical testing. Allele origin: germline.
Comment: This sequence change replaces threonine, which is neutral and polar, with alanine, which is neutral and non-polar, at codon 1367 of the ERCC6L2 protein (p.Thr1367Ala). This variant is not present in population databases (gnomAD no frequency). This variant has not been reported in the literature in individuals affected with ERCC6L2-related conditions. Experimental studies and prediction algorithms are not available or were not evaluated, and the functional significance of this variant is currently unknown. In summary, the available evidence is currently insufficient to determine the role of this variant in disease. Therefore, it has been classified as a Variant of Uncertain Significance.